The following is an entry in ClinVar:

NM_016341.4(PLCE1):c.2769G>T (p.Leu923=)

Gene: PLCE1 (phospholipase C epsilon 1; plus strand). Cytogenetic location: 10q23.33.
Variant type: single nucleotide variant.
Coding change: c.2769G>T on transcript NM_016341.4 (MANE Select); coding-DNA position 2769, G replaced by T.
Protein change: p.Leu923=; no amino-acid change (leucine 923 retained).
Molecular consequence: synonymous variant.
Genome position (GRCh38, 1-based): chr10:94,246,294, G>T. VCF-style: chr10-94246294-G-T. GRCh37 (hg19) VCF-style: chr10-96006051-G-T.
Other names: c.1845G>T, p.Leu615= (NM_001165979.2); c.2769G>T, p.Leu923= (NM_001288989.2).
Identifiers: ClinVar variation 3058321 (VCV003058321.2), dbSNP rs867195806, ClinGen allele CA211608252.
Genomic context (GRCh38, chr10:94,246,294, plus strand): 5'-CAGTAAAGCAAAACTTGGTGTACTTAATAACACAGCTGAGCCTGGAAAATTCCCACTACT[G>T]GGTAATGCTGGATTAAGTAGCCTGACGGAAGGGGTCTTGGATCTTTTTGCAGTGAAGGCT-3'
Protein context (NP_057425.3, residues 913-933): NTAEPGKFPL[Leu923=]GNAGLSSLTE

ClinVar aggregate classification (germline): Likely benign (0 of 4 stars; one submission).

Conditions:
PLCE1-related disorder. Also called: PLCE1-related condition.

gnomAD v4.1: 10 of 1,614,158 alleles (0.00062%); highest among the groups gnomAD compares: Middle Eastern, 0.16%; no homozygotes.

Submission:

PreventionGenetics, part of Exact Sciences
Classification: Likely benign for PLCE1-related condition. Last evaluated: 2024-02-07. Review status: no assertion criteria provided. Collection method: clinical testing. Allele origin: germline.
Comment: This variant is classified as likely benign based on ACMG/AMP sequence variant interpretation guidelines (Richards et al. 2015 PMID: 25741868, with internal and published modifications).